The following is an entry in ClinVar:

NM_005518.4(HMGCS2):c.704T>C (p.Met235Thr)

Gene: HMGCS2 (3-hydroxy-3-methylglutaryl-CoA synthase 2; minus strand). Cytogenetic location: 1p12.
Variant type: single nucleotide variant.
Coding change: c.704T>C on transcript NM_005518.4 (MANE Select); coding-DNA position 704, T replaced by C.
Protein change: p.Met235Thr; replaces methionine 235 with threonine.
Molecular consequence: missense variant.
Genome position (GRCh38, 1-based): chr1:119,759,264, A>G on the plus strand (T>C on the coding strand, the complement: HMGCS2 is on the minus strand). VCF-style: chr1-119759264-A-G. GRCh37 (hg19) VCF-style: chr1-120301887-A-G.
Other names: c.578T>C, p.Met193Thr (NM_001166107.1); short protein forms M193T, M235T.
Identifiers: ClinVar variation 874562 (VCV000874562.9), dbSNP rs773806829, ClinGen allele CA1037807.

ClinVar aggregate classification (germline): Conflicting classifications of pathogenicity. Review status: criteria provided, conflicting classifications (1 of 4 stars). 3 submissions from 3 submitters: Pathogenic (1); Uncertain significance (2). Last evaluated 2025-07-28.

Conditions:
3-hydroxy-3-methylglutaryl-CoA synthase deficiency (HMGCS2D). Also called: MITOCHONDRIAL HMG-CoA SYNTHASE DEFICIENCY; HMG-CoA synthase-2 deficiency; HMGCS2 DEFICIENCY. Identifiers: Orphanet 35701, MedGen C2751532, MONDO:0011614, OMIM 605911.

gnomAD v4.1: 23 of 1,613,866 alleles (0.0014%); highest among the groups gnomAD compares: East Asian, 0.013%; no homozygotes.

Submissions (3):

GeneDx
Classification: Pathogenic. Last evaluated: 2025-07-28. Review status: criteria provided, single submitter. Criteria: GeneDx Variant Classification Process June 2021. Collection method: clinical testing. Allele origin: germline. Affected: yes.
Comment: Published functional studies demonstrate a damaging effect on protein function (PMID: 32952630); In silico analysis supports that this missense variant has a deleterious effect on protein structure/function; Missense variants in this gene are a common cause of disease and they are underrepresented in the general population; Not observed at significant frequency in large population cohorts (gnomAD); This variant is associated with the following publications: (PMID: 32952630)

Labcorp Genetics (formerly Invitae), Labcorp
Classification: Uncertain significance for 3-hydroxy-3-methylglutaryl-CoA synthase deficiency. Last evaluated: 2022-06-10. Review status: criteria provided, single submitter. Criteria: Invitae Variant Classification Sherloc (09022015). Collection method: clinical testing. Allele origin: germline.
Comment: This missense change has been observed in individuals with HMG-CoA synthase-2 deficiency (PMID: 32952630). This variant is present in population databases (rs773806829, gnomAD 0.01%). This sequence change replaces methionine, which is neutral and non-polar, with threonine, which is neutral and polar, at codon 235 of the HMGCS2 protein (p.Met235Thr). ClinVar contains an entry for this variant (Variation ID: 874562). In summary, the available evidence is currently insufficient to determine the role of this variant in disease. Therefore, it has been classified as a Variant of Uncertain Significance. Experimental studies have shown that this missense change affects HMGCS2 function (PMID: 32952630). Algorithms developed to predict the effect of missense changes on protein structure and function (SIFT, PolyPhen-2, Align-GVGD) all suggest that this variant is likely to be disruptive.

Illumina Laboratory Services, Illumina
Classification: Uncertain significance for 3-hydroxy-3-methylglutaryl-CoA synthase deficiency. Last evaluated: 2018-01-13. Review status: criteria provided, single submitter. Criteria: ICSL Variant Classification Criteria 13 December 2019. Collection method: clinical testing. Allele origin: germline.

Literature cited by the submitters: PubMed 32952630 (cited by Labcorp Genetics (formerly Invitae), Labcorp).